The following is an entry in ClinVar:

ClinVar aggregate classification (germline): Uncertain significance (1 of 4 stars; one submission).

Conditions:
Immunodeficiency, common variable, 2 (CVID2). Also called: ANTIBODY DEFICIENCY DUE TO TACI DEFECT; HYPOGAMMAGLOBULINEMIA DUE TO TACI DEFICIENCY. Identifiers: Orphanet 1572, MedGen C3150354, MONDO:0009413, OMIM 240500.

Submission:

Labcorp Genetics (formerly Invitae), Labcorp
Classification: Uncertain significance for Immunodeficiency, common variable, 2. Last evaluated: 2025-09-20. Review status: criteria provided, single submitter. Criteria: Invitae Variant Classification Sherloc (09022015). Collection method: clinical testing. Allele origin: germline.
Comment: This variant, c.759_763delinsAGGGG, is a complex sequence change that results in the deletion of 2 and insertion of 2 amino acid(s) in the TNFRSF13B protein (p.Thr254_Cys255delinsGlyGly). Information on the frequency of this variant in the gnomAD database is not available, as this variant may be reported differently in the database. This variant has not been reported in the literature in individuals affected with TNFRSF13B-related conditions. Experimental studies and prediction algorithms are not available or were not evaluated, and the functional significance of this variant is currently unknown. In summary, the available evidence is currently insufficient to determine the role of this variant in disease. Therefore, it has been classified as a Variant of Uncertain Significance.

NM_012452.3(TNFRSF13B):c.759_763delinsAGGGG (p.Thr254_Cys255delinsGlyGly)

Gene: TNFRSF13B (TNF receptor superfamily member 13B; minus strand). Cytogenetic location: 17p11.2.
Variant type: Indel.
Coding change: c.759_763delinsAGGGG on transcript NM_012452.3 (MANE Select); coding-DNA positions 759 to 763, CACTT replaced by AGGGG.
Protein change: p.Thr254_Cys255delinsGlyGly.
Molecular consequence: missense variant.
Genome position (GRCh38, 1-based): chr17:16,939,666-16,939,670, AAGTG replaced by CCCCT on the plus strand (CACTT replaced by AGGGG on the coding strand, the reverse complement: TNFRSF13B is on the minus strand). VCF-style: chr17-16939666-AAGTG-CCCCT. GRCh37 (hg19) VCF-style: chr17-16842980-AAGTG-CCCCT.
Identifiers: ClinVar variation 4723493 (VCV004723493.1).